The following is an entry in ClinVar:

ClinVar aggregate classification (germline): Uncertain significance. Review status: criteria provided, single submitter (1 of 4 stars). 2 submissions from 2 submitters: Uncertain significance (1). 1 of the submissions does not count toward it. Last evaluated 2026-03-29.

Conditions:
Intellectual disability. Also called: intellectual disabilities; Intellectual functioning disability; Intellectual developmental disorder. Identifiers: MedGen C3714756, MeSH D008607, MONDO:0001071, HP:0001249.

Allele frequency attached by ClinVar (database versions not stated): gnomAD exomes 0.00001.
gnomAD v4.1: 4 of 1,599,024 alleles (0.00025%); highest among the groups gnomAD compares: Non-Finnish European, 0.00034%; no homozygotes.

Submissions (2):

GeneDx
Classification: Uncertain significance. Last evaluated: 2026-03-29. Review status: criteria provided, single submitter. Criteria: GeneDx Variant Classification Process June 2021. Collection method: clinical testing. Allele origin: germline.
Comment: Not observed at significant frequency in large population cohorts (gnomAD); In silico analysis supports that this missense variant has a deleterious effect on protein structure/function; Has not been previously published as pathogenic or benign to our knowledge

Centre de Biologie Pathologie Génétique, Centre Hospitalier Universitaire de Lille
Classification: Likely benign for Intellectual disability. Last evaluated: 2019-01-01. Review status: no assertion criteria provided. Collection method: clinical testing. Allele origin: inherited. Affected: yes. Not counted in ClinVar's aggregate classification.

NM_001170629.2(CHD8):c.422C>T (p.Thr141Ile)

Gene: CHD8 (chromodomain helicase DNA binding protein 8; minus strand). Cytogenetic location: 14q11.2.
Variant type: single nucleotide variant.
Coding change: c.422C>T on transcript NM_001170629.2 (MANE Select); coding-DNA position 422, C replaced by T.
Protein change: p.Thr141Ile; replaces threonine 141 with isoleucine.
Molecular consequence: missense variant. On other transcripts: intron variant (1).
Genome position (GRCh38, 1-based): chr14:21,431,222, G>A on the plus strand (C>T on the coding strand, the complement: CHD8 is on the minus strand). VCF-style: chr14-21431222-G-A. GRCh37 (hg19) VCF-style: chr14-21899381-G-A.
Other names: c.6+589C>T (NM_020920.4); short protein forms T141I.
Identifiers: ClinVar variation 975205 (VCV000975205.2), dbSNP rs1889549384, ClinGen allele CA388888723.